The following is an entry in ClinVar:

NM_001710.6(CFB):c.2146G>A (p.Val716Ile)

Gene: CFB (complement factor B; plus strand). Cytogenetic location: 6p21.33.
Variant type: single nucleotide variant.
Coding change: c.2146G>A on transcript NM_001710.6 (MANE Select); coding-DNA position 2146, G replaced by A.
Protein change: p.Val716Ile; replaces valine 716 with isoleucine.
Molecular consequence: missense variant.
Genome position (GRCh38, 1-based): chr6:31,951,881, G>A. VCF-style: chr6-31951881-G-A. GRCh37 (hg19) VCF-style: chr6-31919658-G-A.
Other names: short protein forms V716I.
Identifiers: ClinVar variation 2190819 (VCV002190819.5), dbSNP rs777891193, ClinGen allele CA3728587.
Genomic context (GRCh38, chr6:31,951,881, plus strand): 5'-TTCCAGGATTAGGAATTCTACTGAATGATCCATGGCACCCCACTGCCTCTGCAGGTTGGT[G>A]TAATCAGCTGGGGAGTAGTGGATGTCTGCAAAAACCAGAAGCGGCAAAAGCAGGTACCTG-3'
Protein context (NP_001701.2, residues 706-726): HKRSRFIQVG[Val716Ile]ISWGVVDVCK

ClinVar aggregate classification (germline): Uncertain significance. Review status: criteria provided, multiple submitters, no conflicts (2 of 4 stars). 3 submissions from 3 submitters: Uncertain significance (3). Last evaluated 2025-02-18.

Conditions:
Inborn genetic diseases. Identifiers: MedGen C0950123, MeSH D030342.

Allele frequency attached by ClinVar (database versions not stated): ExAC 0.00002.

Submissions (3):

Labcorp Genetics (formerly Invitae), Labcorp
Classification: Uncertain significance. Last evaluated: 2025-02-18. Review status: criteria provided, single submitter. Criteria: Invitae Variant Classification Sherloc (09022015). Collection method: clinical testing. Allele origin: germline.
Comment: This sequence change replaces valine, which is neutral and non-polar, with isoleucine, which is neutral and non-polar, at codon 716 of the CFB protein (p.Val716Ile). This variant is present in population databases (rs777891193, gnomAD 0.02%). This variant has not been reported in the literature in individuals affected with CFB-related conditions. ClinVar contains an entry for this variant (Variation ID: 2190819). Invitae Evidence Modeling of protein sequence and biophysical properties (such as structural, functional, and spatial information, amino acid conservation, physicochemical variation, residue mobility, and thermodynamic stability) indicates that this missense variant is not expected to disrupt CFB protein function with a negative predictive value of 80%. Algorithms developed to predict the effect of sequence changes on RNA splicing suggest that this variant may disrupt the consensus splice site. In summary, the available evidence is currently insufficient to determine the role of this variant in disease. Therefore, it has been classified as a Variant of Uncertain Significance.

Ambry Genetics
Classification: Uncertain significance for Inborn genetic diseases. Last evaluated: 2024-11-11. Review status: criteria provided, single submitter. Criteria: Ambry Variant Classification Scheme 2023. Collection method: clinical testing. Allele origin: germline.

Blueprint Genetics
Classification: Uncertain significance. Last evaluated: 2021-12-24. Review status: criteria provided, single submitter. Criteria: ACMG Guidelines, 2015. Collection method: clinical testing. Allele origin: germline.